The following is an entry in ClinVar:

ClinVar aggregate classification (germline): Benign (0 of 4 stars; one submission).

Conditions:
FUT3-related disorder. Also called: FUT3-related condition.

Allele frequency attached by ClinVar (database versions not stated): gnomAD exomes 0.03947 and 0.08513; ExAC 0.08261; gnomAD 0.11090 and 0.11306; TOPMed 0.12719; 1000 Genomes Project 0.15355; 1000 Genomes Project 30x 0.15631.

Submissions (12):

PreventionGenetics, part of Exact Sciences
Classification: Benign for FUT3-related condition. Last evaluated: 2019-10-18. Review status: no assertion criteria provided. Collection method: clinical testing. Allele origin: germline.
Comment: This variant is classified as benign based on ACMG/AMP sequence variant interpretation guidelines (Richards et al. 2015 PMID: 25741868, with internal and published modifications).

Dr. Peter K. Rogan Lab, Western University
No classification provided (evidence only). Condition: Melanoma. Review status: no classification provided. Collection method: in vitro. Allele origin: not applicable. Functional consequence: retained intron. Not counted in ClinVar's aggregate classification.

Dr. Peter K. Rogan Lab, Western University
No classification provided (evidence only). Condition: Melanoma. Review status: no classification provided. Collection method: in vitro. Allele origin: not applicable. Functional consequence: retained intron. Not counted in ClinVar's aggregate classification.

Dr. Peter K. Rogan Lab, Western University
No classification provided (evidence only). Condition: Uterine corpus endometrial carcinoma. Review status: no classification provided. Collection method: in vitro. Allele origin: not applicable. Functional consequence: retained intron. Not counted in ClinVar's aggregate classification.

Dr. Peter K. Rogan Lab, Western University
No classification provided (evidence only). Condition: Uterine corpus endometrial carcinoma. Review status: no classification provided. Collection method: in vitro. Allele origin: not applicable. Functional consequence: retained intron. Not counted in ClinVar's aggregate classification.

Dr. Peter K. Rogan Lab, Western University
No classification provided (evidence only). Condition: Uterine corpus endometrial carcinoma. Review status: no classification provided. Collection method: in vitro. Allele origin: not applicable. Functional consequence: retained intron. Not counted in ClinVar's aggregate classification.

Dr. Peter K. Rogan Lab, Western University
No classification provided (evidence only). Condition: Sarcoma. Review status: no classification provided. Collection method: in vitro. Allele origin: not applicable. Functional consequence: retained intron. Not counted in ClinVar's aggregate classification.

Dr. Peter K. Rogan Lab, Western University
No classification provided (evidence only). Condition: Nonpapillary renal cell carcinoma. Review status: no classification provided. Collection method: in vitro. Allele origin: not applicable. Functional consequence: retained intron. Not counted in ClinVar's aggregate classification.

Dr. Peter K. Rogan Lab, Western University
No classification provided (evidence only). Condition: Ovarian serous cystadenocarcinoma. Review status: no classification provided. Collection method: in vitro. Allele origin: not applicable. Functional consequence: retained intron. Not counted in ClinVar's aggregate classification.

Dr. Peter K. Rogan Lab, Western University
No classification provided (evidence only). Condition: Malignant tumor of esophagus. Review status: no classification provided. Collection method: in vitro. Allele origin: not applicable. Functional consequence: retained intron. Not counted in ClinVar's aggregate classification.

Dr. Peter K. Rogan Lab, Western University
No classification provided (evidence only). Condition: Malignant tumor of esophagus. Review status: no classification provided. Collection method: in vitro. Allele origin: not applicable. Functional consequence: retained intron. Not counted in ClinVar's aggregate classification.

Dr. Peter K. Rogan Lab, Western University
No classification provided (evidence only). Condition: Malignant tumor of esophagus. Review status: no classification provided. Collection method: in vitro. Allele origin: not applicable. Functional consequence: retained intron. Not counted in ClinVar's aggregate classification.

NM_001097639.3(FUT3):c.508G>A (p.Gly170Ser)

Gene: FUT3 (fucosyltransferase 3 (Lewis blood group); minus strand). Cytogenetic location: 19p13.3.
Variant type: single nucleotide variant.
Coding change: c.508G>A on transcript NM_001097639.3 (MANE Select); coding-DNA position 508, G replaced by A.
Protein change: p.Gly170Ser; replaces glycine 170 with serine.
Molecular consequence: missense variant.
Genome position (GRCh38, 1-based): chr19:5,844,332, C>T on the plus strand (G>A on the coding strand, the complement: FUT3 is on the minus strand). VCF-style: chr19-5844332-C-T. GRCh37 (hg19) VCF-style: chr19-5844343-C-T.
Other names: NC_000019.9:g.5844343C>T; c.508G>A (NM_000149.3); c.508G>A, p.Gly170Ser (NM_000149.4, NM_001097640.3, NM_001097641.3 and 8 more transcripts); short protein forms G170S.
Identifiers: ClinVar variation 242700 (VCV000242700.4), dbSNP rs3745635, ClinGen allele CA040120.
Genomic context (GRCh38, chr19:5,844,332, plus strand): 5'-TCTTGGCCGAGAGGTTGAGCGGTGGGTGGGCAGGCTGGCCGGACCACGGCTCCAGCCAGC[C>T]GTAGGGCGTGAAGATGTCGGAGTCGCTGCGGTAGGACATGGTGAGATTGAAGTATCTGTC-3'
Protein context (NP_001091108.3, residues 160-180): RSDSDIFTPY[Gly170Ser]WLEPWSGQPA